The following is an entry in ClinVar:

ClinVar aggregate classification (germline): Uncertain significance (1 of 4 stars; one submission).

Allele frequency attached by ClinVar (database versions not stated): gnomAD exomes below 0.00001; TOPMed below 0.00001; ExAC 0.00001; gnomAD 0.00001.
gnomAD v4.1: 3 of 1,613,936 alleles (0.00019%); highest among the groups gnomAD compares: Non-Finnish European, 0.00025%; no homozygotes.

Submission:

GeneDx
Classification: Uncertain significance. Last evaluated: 2022-02-24. Review status: criteria provided, single submitter. Criteria: GeneDx Variant Classification Process June 2021. Collection method: clinical testing. Allele origin: germline. Affected: yes.
Comment: In silico analysis supports that this variant does not alter splicing; Has not been previously published as pathogenic or benign to our knowledge

NM_001172509.2(SATB2):c.1302G>A (p.Gln434=)

Gene: SATB2 (SATB homeobox 2; minus strand). Cytogenetic location: 2q33.1.
Variant type: single nucleotide variant.
Coding change: c.1302G>A on transcript NM_001172509.2 (MANE Select); coding-DNA position 1302, G replaced by A.
Protein change: p.Gln434=; no amino-acid change (glutamine 434 retained).
Molecular consequence: synonymous variant.
Genome position (GRCh38, 1-based): chr2:199,328,782, C>T on the plus strand (G>A on the coding strand, the complement: SATB2 is on the minus strand). VCF-style: chr2-199328782-C-T. GRCh37 (hg19) VCF-style: chr2-200193505-C-T.
Other names: c.1302G>A, p.Gln434= (NM_001172517.1, NM_015265.4).
Identifiers: ClinVar variation 1703288 (VCV001703288.2), dbSNP rs776256616, ClinGen allele CA2045918.
Genomic context (GRCh38, chr2:199,328,782, plus strand): 5'-ACTGCTGGAGGCCGAGGAGACCATGCTCACATTGGGATTCATGCTCCGCTCCCTCTCATC[C>T]TGGTAGATGCGATCTCGCTCCACTTCTGGCAGATTGAGGAAATTCTGCATGGCCCTCAGG-3'
Protein context (NP_001165980.1, residues 424-444): LPEVERDRIY[Gln434=]DERERSMNPN